The following is an entry in ClinVar:

NM_007294.4(BRCA1):c.5277G>C (p.Lys1759Asn)

Gene: BRCA1 (BRCA1 DNA repair associated; minus strand). Cytogenetic location: 17q21.31.
Variant type: single nucleotide variant.
Coding change: c.5277G>C on transcript NM_007294.4 (MANE Select); coding-DNA position 5277, G replaced by C.
Protein change: p.Lys1759Asn; replaces lysine 1759 with asparagine.
Molecular consequence: missense variant. On other transcripts: non-coding transcript variant (1).
Genome position (GRCh38, 1-based): chr17:43,057,052, C>G on the plus strand (G>C on the coding strand, the complement: BRCA1 is on the minus strand). VCF-style: chr17-43057052-C-G. GRCh37 (hg19) VCF-style: chr17-41209069-C-G.
Other names: c.5274G>C, p.Lys1758Asn (NM_001407619.1, NM_001407620.1, NM_001407621.1 and 17 more transcripts); c.5271G>C, p.Lys1757Asn (NM_001407627.1, NM_001407628.1, NM_001407638.1 and 14 more transcripts); c.5268G>C, p.Lys1756Asn (NM_001407644.1, NM_001407645.1); c.5265G>C, p.Lys1755Asn (NM_001407646.1); c.5262G>C, p.Lys1754Asn (NM_001407647.1); c.5220G>C, p.Lys1740Asn (NM_001407648.1); c.5193G>C, p.Lys1731Asn (NM_001407660.1, NM_001407661.1, NM_001407662.1 and 2 more transcripts); c.5154G>C, p.Lys1718Asn (NM_001407664.1, NM_001407665.1, NM_001407666.1 and 6 more transcripts); and 72 more; short protein forms K1780N, K655N, K1759N, K1712N, K1630N, K1632N, K1669N, K1733N.
Identifiers: ClinVar variation 868251 (VCV000868251.3), dbSNP rs80356854, ClinGen allele CA10590998.

Conditions:
Breast-ovarian cancer, familial, susceptibility to, 1 (BROVCA1). Also called: BRCA1 Hereditary Breast and Ovarian Cancer; OVARIAN CANCER, SUSCEPTIBILITY TO. Identifiers: Orphanet 145, MedGen C2676676, MONDO:0011450, OMIM 604370. Disease mechanism: loss of function.

Submission:

Brotman Baty Institute, University of Washington
No classification provided (evidence only). Condition: Breast-ovarian cancer, familial 1. Review status: no classification provided. Collection method: in vitro. Allele origin: not applicable. Functional consequence: functionally_normal.
ClinVar note: "not provided" was previously submitted as the classification for the variant. However, the classification appeared to be based only on an observation of functional data so it was converted to no classification on 2025-07-30.